The following is an entry in ClinVar:

NM_000051.4(ATM):c.5966T>G (p.Leu1989Trp)

Genes: ATM (ATM serine/threonine kinase; plus strand), C11orf65 (chromosome 11 open reading frame 65; minus strand). Cytogenetic location: 11q22.3.
Variant type: single nucleotide variant.
Coding change: c.5966T>G on transcript NM_000051.4 (MANE Select); coding-DNA position 5966, T replaced by G.
Protein change: p.Leu1989Trp; replaces leucine 1989 with tryptophan.
Molecular consequence: missense variant. On other transcripts: intron variant (2).
Genome position (GRCh38, 1-based): chr11:108,312,458, T>G. VCF-style: chr11-108312458-T-G. GRCh37 (hg19) VCF-style: chr11-108183185-T-G.
Other names: c.5966T>G, p.Leu1989Trp (NM_001351834.2); c.641-3387A>C (NM_001330368.2); c.*39-3387A>C (NM_001351110.2); short protein forms L1989W.
Identifiers: ClinVar variation 584796 (VCV000584796.14), dbSNP rs1565493603, ClinGen allele CA382548725.

ClinVar aggregate classification (germline): Uncertain significance. Review status: criteria provided, multiple submitters, no conflicts (2 of 4 stars). 4 submissions from 4 submitters: Uncertain significance (4). Last evaluated 2025-10-14.

Conditions:
Hereditary cancer-predisposing syndrome. Also called: Hereditary Cancer Syndrome; Neoplastic Syndromes, Hereditary; Tumor predisposition; Hereditary neoplastic syndrome. Identifiers: Orphanet 140162, MedGen C0027672, MeSH D009386, MONDO:0015356.
Ataxia-telangiectasia syndrome (AT). Also called: Cerebello-oculocutaneous telangiectasia; Immunodeficiency with ataxia telangiectasia; Ataxia-telangiectasia, complementation group E; Ataxia-telangiectasia, complementation group D; AT, COMPLEMENTATION GROUP C; ATAXIA-TELANGIECTASIA, COMPLEMENTATION GROUP A. Identifiers: Orphanet 100, MedGen C0004135, MONDO:0008840, OMIM 208900.
Familial cancer of breast. Also called: BREAST CANCER, FAMILIAL; Hereditary breast cancer; hereditary breast carcinoma. Identifiers: Orphanet 227535, MedGen C0346153, MONDO:0016419, OMIM 114480. Disease mechanism: loss of function.

Allele frequency attached by ClinVar (database versions not stated): gnomAD exomes below 0.00001.
gnomAD v4.1: 1 of 1,596,670 alleles (0.000063%); highest among the groups gnomAD compares: Non-Finnish European, 0.000086%; no homozygotes.

Submissions (4):

Labcorp Genetics (formerly Invitae), Labcorp
Classification: Uncertain significance for Ataxia-telangiectasia syndrome. Last evaluated: 2025-10-14. Review status: criteria provided, single submitter. Criteria: Invitae Variant Classification Sherloc (09022015). Collection method: clinical testing. Allele origin: germline.
Comment: This sequence change replaces leucine, which is neutral and non-polar, with tryptophan, which is neutral and slightly polar, at codon 1989 of the ATM protein (p.Leu1989Trp). This variant is not present in population databases (gnomAD no frequency). This variant has not been reported in the literature in individuals affected with ATM-related conditions. ClinVar contains an entry for this variant (Variation ID: 584796). Invitae Evidence Modeling of protein sequence and biophysical properties (such as structural, functional, and spatial information, amino acid conservation, physicochemical variation, residue mobility, and thermodynamic stability) has been performed for this missense variant. However, the output from this modeling did not meet the statistical confidence thresholds required to predict the impact of this variant on ATM protein function. In summary, the available evidence is currently insufficient to determine the role of this variant in disease. Therefore, it has been classified as a Variant of Uncertain Significance.

Ambry Genetics
Classification: Uncertain significance for Hereditary cancer-predisposing syndrome. Last evaluated: 2025-03-06. Review status: criteria provided, single submitter. Criteria: Ambry Variant Classification Scheme 2023. Collection method: clinical testing. Allele origin: germline.
Comment: The p.L1989W variant (also known as c.5966T>G), located in coding exon 39 of the ATM gene, results from a T to G substitution at nucleotide position 5966. The leucine at codon 1989 is replaced by tryptophan, an amino acid with similar properties. This amino acid position is conserved. In addition, the in silico prediction for this alteration is inconclusive. Based on the available evidence, the clinical significance of this variant remains unclear.

Department of Pathology and Laboratory Medicine, Sinai Health System
Classification: Uncertain significance for Familial cancer of breast. Last evaluated: 2023-01-24. Review status: criteria provided, single submitter. Criteria: ACMG Guidelines, 2015. Collection method: clinical testing. Allele origin: germline. Affected: yes.

Mendelics
Classification: Uncertain significance for Ataxia-telangiectasia syndrome. Last evaluated: 2018-07-02. Review status: criteria provided, single submitter. Criteria: Mendelics Assertion Criteria 2017. Collection method: clinical testing. Allele origin: unknown.